The following is an entry in ClinVar:

NM_001042492.3(NF1):c.3478G>C (p.Gly1160Arg)

Gene: NF1 (neurofibromin 1; plus strand). Cytogenetic location: 17q11.2.
Variant type: single nucleotide variant.
Coding change: c.3478G>C on transcript NM_001042492.3 (MANE Select); coding-DNA position 3478, G replaced by C.
Protein change: p.Gly1160Arg; replaces glycine 1160 with arginine.
Molecular consequence: missense variant.
Genome position (GRCh38, 1-based): chr17:31,232,863, G>C. VCF-style: chr17-31232863-G-C. GRCh37 (hg19) VCF-style: chr17-29559881-G-C.
Other names: c.3478G>C, p.Gly1160Arg (NM_000267.4); short protein forms G1160R.
Identifiers: ClinVar variation 2732310 (VCV002732310.3), dbSNP rs786202815, ClinGen allele CA398989424.

ClinVar aggregate classification (germline): Uncertain significance (1 of 4 stars; one submission).

Conditions:
Neurofibromatosis, type 1 (NF1). Also called: Neurofibromatosis, type I; NEUROFIBROMATOSIS, TYPE I, SOMATIC; Peripheral type neurofibromatosis; VON RECKLINGHAUSEN DISEASE. Identifiers: Orphanet 636, MedGen C0027831, MONDO:0018975, OMIM 162200. Disease mechanism: loss of function.

Submission:

Labcorp Genetics (formerly Invitae), Labcorp
Classification: Uncertain significance for Neurofibromatosis, type 1. Last evaluated: 2023-08-20. Review status: criteria provided, single submitter. Criteria: Invitae Variant Classification Sherloc (09022015). Collection method: clinical testing. Allele origin: germline.
Comment: This sequence change replaces glycine, which is neutral and non-polar, with arginine, which is basic and polar, at codon 1160 of the NF1 protein (p.Gly1160Arg). This variant is not present in population databases (gnomAD no frequency). This variant has not been reported in the literature in individuals affected with NF1-related conditions. Advanced modeling of protein sequence and biophysical properties (such as structural, functional, and spatial information, amino acid conservation, physicochemical variation, residue mobility, and thermodynamic stability) performed at Invitae indicates that this missense variant is expected to disrupt NF1 protein function. This variant disrupts the p.Gly1160 amino acid residue in NF1. Other variant(s) that disrupt this residue have been determined to be pathogenic (Invitae). This suggests that this residue is clinically significant, and that variants that disrupt this residue are likely to be disease-causing. In summary, the available evidence is currently insufficient to determine the role of this variant in disease. Therefore, it has been classified as a Variant of Uncertain Significance.